The following is an entry in ClinVar:

NM_000540.3(RYR1):c.2004C>T (p.Asp668=)

Gene: RYR1 (ryanodine receptor 1; plus strand). Cytogenetic location: 19q13.2.
Variant type: single nucleotide variant.
Coding change: c.2004C>T on transcript NM_000540.3 (MANE Select); coding-DNA position 2004, C replaced by T.
Protein change: p.Asp668=; no amino-acid change (aspartic acid 668 retained).
Molecular consequence: synonymous variant.
Genome position (GRCh38, 1-based): chr19:38,458,129, C>T. VCF-style: chr19-38458129-C-T. GRCh37 (hg19) VCF-style: chr19-38948769-C-T.
Other names: c.2004C>T, p.Asp668= (NM_001042723.2).
Identifiers: ClinVar variation 256468 (VCV000256468.18), dbSNP rs78835441, ClinGen allele CA062739.

ClinVar aggregate classification (germline): Benign. Review status: criteria provided, multiple submitters, no conflicts (2 of 4 stars). 6 submissions from 5 submitters: Benign (6). Last evaluated 2026-02-03.

Conditions:
RYR1-related disorder. Also called: RYR1-related condition; RYR1-related disorders. Identifiers: MedGen CN239331.
Malignant hyperthermia, susceptibility to, 1 (MHS1). Also called: RYR1-Related Malignant Hyperthermia Susceptibility; Anesthesia related hyperthermia; Malignant hyperpyrexia; Fulminating hyperpyrexia; Pharmacogenic myopathy; Malignant hyperthermia suceptibility 1. Identifiers: Orphanet 423, MedGen C2930980, MONDO:0007783, OMIM 145600.
Congenital multicore myopathy with external ophthalmoplegia (CMYO1B). Also called: Congenital myopathy 1B, autosomal recessive; Minicore myopathy; MULTIMINICORE DISEASE WITH EXTERNAL OPHTHALMOPLEGIA; MULTICORE MYOPATHY; Minicore myopathy with external ophthalmoplegia. Identifiers: Orphanet 598, Orphanet 98905, MedGen C1850674, MONDO:0009712, OMIM 255320, HP:0003789.

Allele frequency attached by ClinVar (database versions not stated): ESP Exome Variant Server 0.00015; ExAC 0.00349; TOPMed 0.00370; 1000 Genomes Project 30x 0.00437; 1000 Genomes Project 0.00539.
gnomAD v4.1: 2,610 of 1,614,002 alleles (0.16%); highest among the groups gnomAD compares: East Asian, 4.8%; 65 homozygotes.

Submissions (6):

Labcorp Genetics (formerly Invitae), Labcorp
Classification: Benign for RYR1-related disorder. Last evaluated: 2026-02-03. Review status: criteria provided, single submitter. Criteria: Invitae Variant Classification Sherloc (09022015). Collection method: clinical testing. Allele origin: germline.

Color Diagnostics, LLC DBA Color Health
Classification: Benign for Malignant hyperthermia, susceptibility to, 1. Last evaluated: 2022-05-04. Review status: criteria provided, single submitter. Criteria: ACMG Guidelines, 2015. Collection method: clinical testing. Allele origin: germline.

Illumina Laboratory Services, Illumina
Classification: Benign for Malignant hyperthermia, susceptibility to, 1. Last evaluated: 2018-01-12. Review status: criteria provided, single submitter. Criteria: ICSL Variant Classification Criteria 13 December 2019. Collection method: clinical testing. Allele origin: germline.
Comment: This variant was observed in the ICSL laboratory as part of a predisposition screen in an ostensibly healthy population. It had not been previously curated by ICSL or reported in the Human Gene Mutation Database (HGMD: prior to June 1st, 2018), and was therefore a candidate for classification through an automated scoring system. Utilizing variant allele frequency, disease prevalence and penetrance estimates, and inheritance mode, an automated score was calculated to assess if this variant is too frequent to cause the disease. Based on the score and internal cut-off values, a variant classified as benign is not then subjected to further curation. The score for this variant resulted in a classification of benign for this disease.

Illumina Laboratory Services, Illumina
Classification: Benign for Congenital multicore myopathy with external ophthalmoplegia. Last evaluated: 2018-01-12. Review status: criteria provided, single submitter. Criteria: ICSL Variant Classification Criteria 13 December 2019. Collection method: clinical testing. Allele origin: germline.
Comment: the same text as in the submission from Illumina Laboratory Services, Illumina above.

PreventionGenetics, part of Exact Sciences
Classification: Benign. Last evaluated: 2017-10-25. Review status: criteria provided, single submitter. Criteria: ACMG Guidelines, 2015. Collection method: clinical testing. Allele origin: germline.

GeneDx
Classification: Benign. Last evaluated: 2016-12-07. Review status: criteria provided, single submitter. Criteria: GeneDx Variant Classification (06012015). Collection method: clinical testing. Allele origin: germline. Affected: yes.
Comment: This variant is considered likely benign or benign based on one or more of the following criteria: it is a conservative change, it occurs at a poorly conserved position in the protein, it is predicted to be benign by multiple in silico algorithms, and/or has population frequency not consistent with disease.